The following is an entry in ClinVar:

NM_001142864.4(PIEZO1):c.7226A>C (p.Gln2409Pro)

Gene: PIEZO1 (piezo type mechanosensitive ion channel component 1 (Er blood group); minus strand). Cytogenetic location: 16q24.3.
Variant type: single nucleotide variant.
Coding change: c.7226A>C on transcript NM_001142864.4 (MANE Select); coding-DNA position 7226, A replaced by C.
Protein change: p.Gln2409Pro; replaces glutamine 2409 with proline.
Molecular consequence: missense variant.
Genome position (GRCh38, 1-based): chr16:88,716,023, T>G on the plus strand (A>C on the coding strand, the complement: PIEZO1 is on the minus strand). VCF-style: chr16-88716023-T-G. GRCh37 (hg19) VCF-style: chr16-88782431-T-G.
Other names: c.5768A>C, p.Gln1923Pro (NM_014745.1); short protein forms Q1923P, Q2409P.
Identifiers: ClinVar variation 2633424 (VCV002633424.1), dbSNP rs991889451, ClinGen allele CA397072389.

ClinVar aggregate classification (germline): Uncertain significance (1 of 4 stars; one submission).

Conditions:
PIEZO1-related disorder. Also called: PIEZO1-related condition; PIEZO1-Related Disorders.

gnomAD v4.1: 8 of 1,550,200 alleles (0.00052%); highest among the groups gnomAD compares: African/African-American, 0.0014%; no homozygotes.

Submission:

PreventionGenetics, part of Exact Sciences
Classification: Uncertain significance for PIEZO1-related condition. Last evaluated: 2023-03-06. Review status: criteria provided, single submitter. Criteria: ACMG Guidelines, 2015. Collection method: clinical testing. Allele origin: germline.
Comment: The PIEZO1 c.7226A>C variant is predicted to result in the amino acid substitution p.Gln2409Pro. To our knowledge, this variant has not been reported in the literature. This variant is reported in 0.0017% of alleles in individuals of European (Non-Finnish) descent in gnomAD. At this time, the clinical significance of this variant is uncertain due to the absence of conclusive functional and genetic evidence.